The following is an entry in ClinVar:

ClinVar aggregate classification (germline): Uncertain significance (1 of 4 stars; one submission).

gnomAD v4.1: 1 of 1,613,888 alleles (0.000062%); highest among the groups gnomAD compares: Non-Finnish European, 0.000085%; no homozygotes.

Submission:

Labcorp Genetics (formerly Invitae), Labcorp
Classification: Uncertain significance. Last evaluated: 2023-07-07. Review status: criteria provided, single submitter. Criteria: Invitae Variant Classification Sherloc (09022015). Collection method: clinical testing. Allele origin: germline.
Comment: This sequence change replaces serine, which is neutral and polar, with phenylalanine, which is neutral and non-polar, at codon 795 of the NEFH protein (p.Ser795Phe). In summary, the available evidence is currently insufficient to determine the role of this variant in disease. Therefore, it has been classified as a Variant of Uncertain Significance. Advanced modeling of protein sequence and biophysical properties (such as structural, functional, and spatial information, amino acid conservation, physicochemical variation, residue mobility, and thermodynamic stability) performed at Invitae indicates that this missense variant is not expected to disrupt NEFH protein function. This variant has not been reported in the literature in individuals affected with NEFH-related conditions. This variant is not present in population databases (gnomAD no frequency).

NM_021076.4(NEFH):c.2384C>T (p.Ser795Phe)

Gene: NEFH (neurofilament heavy chain; plus strand). Cytogenetic location: 22q12.2.
Variant type: single nucleotide variant.
Coding change: c.2384C>T on transcript NM_021076.4 (MANE Select); coding-DNA position 2384, C replaced by T.
Protein change: p.Ser795Phe; replaces serine 795 with phenylalanine.
Molecular consequence: missense variant.
Genome position (GRCh38, 1-based): chr22:29,490,024, C>T. VCF-style: chr22-29490024-C-T. GRCh37 (hg19) VCF-style: chr22-29886013-C-T.
Other names: short protein forms S795F.
Identifiers: ClinVar variation 2795418 (VCV002795418.3), dbSNP rs371229323, ClinGen allele CA411137220.